The following is an entry in ClinVar:

ClinVar aggregate classification (germline): Uncertain significance (1 of 4 stars; one submission).

Conditions:
Cobalamin C disease. Also called: Methylmalonic aciduria with homocystinuria cblC type; Methylmalonic aciduria and homocystinuria, Vitamin B12-responsive; Vitamin B12 metabolic defect with combined deficiency of methylmalonyl-CoA mutase and homocysteine:methyltetrahydrofolate methyltransferase; Cobalamin-C methylmalonic acidemia and homocystinuria; Methylmalonic acidemia and homocystinuria cblC type; methylmalonic aciduria and homocystinuria type cblC. Identifiers: Orphanet 26, Orphanet 79282, MedGen C1848561, MONDO:0010184, OMIM 277400.

Submission:

Labcorp Genetics (formerly Invitae), Labcorp
Classification: Uncertain significance for Cobalamin C disease. Last evaluated: 2022-01-15. Review status: criteria provided, single submitter. Criteria: Invitae Variant Classification Sherloc (09022015). Collection method: clinical testing. Allele origin: germline.
Comment: This sequence change results in a frameshift in the MMACHC gene (p.Ala266Tyrfs*22). While this is not anticipated to result in nonsense mediated decay, it is expected to disrupt the last 17 amino acid(s) of the MMACHC protein and extend the protein by 4 additional amino acid residues. This variant is not present in population databases (gnomAD no frequency). This variant has not been reported in the literature in individuals affected with MMACHC-related conditions. ClinVar contains an entry for this variant (Variation ID: 946424). Algorithms developed to predict the effect of sequence changes on RNA splicing suggest that this variant may create or strengthen a splice site. This variant disrupts a region of the MMACHC protein in which other variant(s) (p.Arg267Gln) have been observed in individuals with MMACHC-related conditions (PMID: 24126030). This suggests that this is a clinically significant region of the protein, and that variants that disrupt it are likely to be disease-causing. In summary, the available evidence is currently insufficient to determine the role of this variant in disease. Therefore, it has been classified as a Variant of Uncertain Significance.

Literature cited by the submitters: PubMed 24126030.

NM_015506.3(MMACHC):c.795_*18delinsGTATGGTA (p.Ala266fs)

Gene: MMACHC (metabolism of cobalamin associated C; plus strand). Cytogenetic location: 1p34.1.
Variant type: Indel.
Coding change: c.795_*18delinsGTATGGTA on transcript NM_015506.3 (MANE Select); coding-DNA position 795 through 18 bases downstream of the stop codon, the reference bases replaced by GTATGGTA.
Protein change: p.Ala266fs; shifts the reading frame from alanine 266.
Molecular consequence: frameshift variant.
Genome position (GRCh38, 1-based): chr1:45,509,161-45,509,233, 73 bases replaced. GRCh37 (hg19): chr1:45,974,833-45,974,905.
Other names: c.624_*18delinsGTATGGTA, p.Ala209fs (NM_001330540.2); short protein forms A266fs, A209fs.
Identifiers: ClinVar variation 946424 (VCV000946424.6), dbSNP rs1643689610, ClinGen allele CA1139656104.